The following is an entry in ClinVar:

NM_000528.4(MAN2B1):c.2398G>C (p.Gly800Arg)

Gene: MAN2B1 (mannosidase alpha class 2B member 1; minus strand). Cytogenetic location: 19p13.13.
Variant type: single nucleotide variant.
Coding change: c.2398G>C on transcript NM_000528.4 (MANE Select); coding-DNA position 2398, G replaced by C.
Protein change: p.Gly800Arg; replaces glycine 800 with arginine.
Molecular consequence: missense variant.
Genome position (GRCh38, 1-based): chr19:12,649,174, C>G on the plus strand (G>C on the coding strand, the complement: MAN2B1 is on the minus strand). VCF-style: chr19-12649174-C-G. GRCh37 (hg19) VCF-style: chr19-12759988-C-G.
Other names: c.2395G>C, p.Gly799Arg (NM_001173498.2); short protein forms G800R, G799R.
Identifiers: ClinVar variation 208273 (VCV000208273.6), dbSNP rs398123456, ClinGen allele CA350963.
Genomic context (GRCh38, chr19:12,649,174, plus strand): 5'-GATGGGGCTCTGACCCACTCACCATGAGCTCCAGCGAGCCATCTCTCAGGCTGCTGCCCC[C>G]CTGGGAGCGGTCAGTCAGCACAGTCAGCTGCATGTTTCCATCCTGGGAGTTGAAGGGTGA-3'
Protein context (NP_000519.2, residues 790-810): QLTVLTDRSQ[Gly800Arg]GSSLRDGSLE

ClinVar aggregate classification (germline): Likely pathogenic. Review status: criteria provided, multiple submitters, no conflicts (2 of 4 stars). 6 submissions from 6 submitters: Likely pathogenic (4). 2 of the submissions do not count toward it. Last evaluated 2024-04-23.

Conditions:
Deficiency of alpha-mannosidase (MANSA). Also called: LYSOSOMAL ALPHA-D-MANNOSIDASE DEFICIENCY; Mannosidosis, alpha-, types I and II; Alpha-Mannosidosis. Identifiers: Orphanet 61, MedGen C0024748, MONDO:0009561, OMIM 248500.

gnomAD v4.1: 5 of 1,612,740 alleles (0.00031%); highest among the groups gnomAD compares: East Asian, 0.0022%; no homozygotes.

Submissions (6):

Natera, Inc.
Classification: Likely pathogenic for Alpha-mannosidosis. Last evaluated: 2024-04-23. Review status: criteria provided, single submitter. Criteria: Natera Variant Classification Schema (03/2026). Collection method: clinical testing. Allele origin: germline.
Comment: The c.2398G>C variant in MAN2B1 is a missense variant predicted to cause substitution of glycine to arginine at amino acid 800. This variant is rare in the general population with a frequency below the threshold expected for the associated phenotype(s). This variant has been observed in one or more individuals affected with the associated recessive disease, as either homozygous or compound heterozygous with a second variant (PMID: 26048034). Functional studies show that this variant may disrupt protein function (PMID: 22161967). A different variant at the same position has been determined to be Pathogenic or Likely Pathogenic. Computational prediction algorithms indicate this variant is likely to affect gene or protein function. Given the available evidence, this variant is classified as Likely Pathogenic.

Baylor Genetics
Classification: Likely pathogenic for Deficiency of alpha-mannosidase. Last evaluated: 2024-01-09. Review status: criteria provided, single submitter. Criteria: ACMG Guidelines, 2015. Collection method: clinical testing. Allele origin: unknown.

Women's Health and Genetics/Laboratory Corporation of America, LabCorp
Classification: Likely pathogenic for Deficiency of alpha-mannosidase. Last evaluated: 2023-06-21. Review status: criteria provided, single submitter. Criteria: LabCorp Variant Classification Summary - May 2015. Collection method: clinical testing. Allele origin: germline.
Comment: Variant summary: MAN2B1 c.2398G>C (p.Gly800Arg) results in a non-conservative amino acid change located in the glycosyl hydrolase family 38, C-terminal domain (IPR011682) of the encoded protein sequence. Five of five in-silico tools predict a damaging effect of the variant on protein function. The variant allele was found at a frequency of 8e-06 in 251404 control chromosomes (gnomAD). c.2398G>C has been reported in the literature in the compound heterozygous state together with a truncating variant in an individual affected with Alpha-Mannosidosis (Riise Stensland_2012, Borgwardt_2015). These data do not allow any conclusion about variant significance. Functional studies have found that the variant has impaired transport to lysosomes, producing a protein that is not intracellularly processed like the WT protein, and it results in <20% activity of the WT enzyme (e.g. Kuokkanen_2011, Riise Stensland_2012, Borgwardt_2015). Additionally, another variant affecting the same amino acid (c.2398G>T, p.G800W) has also been reported in association with Alpha-Mannosidosis in the HGMD database, suggesting Gly800 may be important for protein function. The following publications have been ascertained in the context of this evaluation (PMID: 26048034, 21505070, 22161967). Two submitters have cited clinical-significance assessments for this variant to ClinVar after 2014 and both classified the variant as pathogenic/likely pathogenic. Based on the evidence outlined above, the variant was classified as likely pathogenic.

Genome-Nilou Lab
Classification: Likely pathogenic for Deficiency of alpha-mannosidase. Last evaluated: 2021-09-05. Review status: criteria provided, single submitter. Criteria: ACMG Guidelines, 2015. Collection method: clinical testing. Allele origin: germline. Affected: no.

SingHealth Duke-NUS Institute of Precision Medicine
Classification: Pathogenic for Deficiency of alpha-mannosidase. Last evaluated: 2017-06-07. Review status: no assertion criteria provided. Collection method: curation. Allele origin: germline. Affected: no. Not counted in ClinVar's aggregate classification.

ClinVar Staff, National Center for Biotechnology Information (NCBI)
Classification: Uncertain significance for Deficiency of alpha-mannosidase. Last evaluated: 2012-06-07. Review status: no assertion criteria provided. Collection method: literature only. Allele origin: germline. Affected: yes. Not counted in ClinVar's aggregate classification.

Literature cited by the submitters: PubMed 26048034 (cited by Natera, Inc. and Women's Health and Genetics/Laboratory Corporation of America, LabCorp); PubMed 22161967 (cited by 3 submitters); PubMed 21505070 (cited by Women's Health and Genetics/Laboratory Corporation of America, LabCorp).